The following continues an entry in ClinVar:

NM_000492.4(CFTR):c.902A>G (p.Tyr301Cys)

Gene: CFTR. ClinVar aggregate classification (germline): Uncertain significance. Uncertain significance (15).

Submissions 9 to 16 of 16:

Labcorp Genetics (formerly Invitae), Labcorp
Classification: Uncertain significance for Cystic fibrosis. Last evaluated: 2022-10-23. Review status: criteria provided, single submitter. Criteria: Invitae Variant Classification Sherloc (09022015). Collection method: clinical testing. Allele origin: germline.
Comment: This sequence change replaces tyrosine, which is neutral and polar, with cysteine, which is neutral and slightly polar, at codon 301 of the CFTR protein (p.Tyr301Cys). This variant is present in population databases (rs150691494, gnomAD 0.5%). This missense change has been observed in individual(s) with cystic fibrosis (PMID: 9921909, 11303517, 11354633, 23276700, 28040058). ClinVar contains an entry for this variant (Variation ID: 198738). Advanced modeling of protein sequence and biophysical properties (such as structural, functional, and spatial information, amino acid conservation, physicochemical variation, residue mobility, and thermodynamic stability) performed at Invitae indicates that this missense variant is expected to disrupt CFTR protein function. In summary, the available evidence is currently insufficient to determine the role of this variant in disease. Therefore, it has been classified as a Variant of Uncertain Significance.

Fulgent Genetics
Classification: Uncertain significance for Hereditary pancreatitis; Bronchiectasis with or without elevated sweat chloride 1; Cystic fibrosis; Congenital bilateral aplasia of vas deferens from CFTR mutation. Last evaluated: 2022-05-18. Review status: criteria provided, single submitter. Criteria: ACMG Guidelines, 2015. Collection method: clinical testing. Allele origin: unknown.

Quest Diagnostics Nichols Institute San Juan Capistrano
Classification: Uncertain significance. Last evaluated: 2022-04-19. Review status: criteria provided, single submitter. Criteria: Quest Diagnostics criteria. Collection method: clinical testing. Allele origin: unknown.

Genome-Nilou Lab
Classification: Uncertain significance for Cystic fibrosis. Last evaluated: 2021-09-05. Review status: criteria provided, single submitter. Criteria: ACMG Guidelines, 2015. Collection method: clinical testing. Allele origin: germline. Affected: no.

Eurofins Ntd Llc (ga)
Classification: Uncertain significance. Last evaluated: 2018-06-15. Review status: criteria provided, single submitter. Criteria: EGL ClinVar v180209 classification definitions. Collection method: clinical testing. Allele origin: germline. Observed: 4 variant alleles, 4 heterozygotes.

Illumina Laboratory Services, Illumina
Classification: Uncertain significance for CFTR-Related Disorders. Last evaluated: 2017-04-28. Review status: criteria provided, single submitter. Criteria: ICSL Variant Classification Criteria 13 December 2019. Collection method: clinical testing. Allele origin: germline.
Comment: This variant was observed as part of a predisposition screen in an ostensibly healthy population. A literature search was performed for the gene, cDNA change, and amino acid change (where applicable). Publications were found based on this search. However, the evidence from the literature, in combination with allele frequency data from public databases where available, was not sufficient to rule this variant in or out of causing disease. Therefore, this variant is classified as a variant of unknown significance.

GeneDx
Classification: Uncertain significance. Last evaluated: 2017-01-24. Review status: criteria provided, single submitter. Criteria: GeneDx Variant Classification (06012015). Collection method: clinical testing. Allele origin: germline. Affected: yes.
Comment: The Y301C variant in the CFTR gene has been reported previously in individuals with an additional variant in CFTR who screened positive for cystic fibrosis on newborn screening; however, these individuals had inconclusive diagnosis with normal sweat chloride levels at followup (Castellani et al., 1999; Ooi et al., 2015). The Y301C variant was not observed with any significant frequency in approximately 6,500 individuals of European and African American ancestry in the NHLBI Exome Sequencing Project, indicating it is not a common benign variant in these populations. The Y301C variant is a non-conservative amino acid substitution, which is likely to impact secondary protein structure as these residues differ in polarity, charge, size and/or other properties. This substitution occurs at a position that is conserved in mammals. In silico analysis predicts this variant is probably damaging to the protein structure/function. Missense variants in nearby residues (R297W, A299T) have been reported in the Human Gene Mutation Database in association with CFTR-related disorders (Stenson et al., 2014), supporting the functional importance of this region of the protein. We interpret Y301C as a variant of uncertain significance.

Natera, Inc.
Classification: Uncertain significance for CFTR-related disorders. Last evaluated: 2017-11-30. Review status: no assertion criteria provided. Collection method: clinical testing. Allele origin: germline. Not counted in ClinVar's aggregate classification.

Literature cited by the submitters: PubMed 11354633 (cited by 5 submitters); PubMed 9921909 (cited by 5 submitters); PubMed 11168024 (cited by 3 submitters); PubMed 19324992 (cited by Women's Health and Genetics/Laboratory Corporation of America, LabCorp and Quest Diagnostics Nichols Institute San Juan Capistrano); PubMed 11303517 (cited by 4 submitters); PubMed 9915972 (cited by 6 submitters); PubMed 23276700 (cited by 6 submitters); PubMed 25963003 (cited by 4 submitters); PubMed 24784896 (cited by Women's Health and Genetics/Laboratory Corporation of America, LabCorp and Quest Diagnostics Nichols Institute San Juan Capistrano); PubMed 28040058 (cited by 3 submitters); PubMed 26436105 (cited by 4 submitters); PubMed 16617247 (cited by Women's Health and Genetics/Laboratory Corporation of America, LabCorp and Quest Diagnostics Nichols Institute San Juan Capistrano); PubMed 32357917 (cited by 3 submitters); PubMed 33836782 (cited by 3 submitters); PubMed 36409994 (cited by Women's Health and Genetics/Laboratory Corporation of America, LabCorp and Mayo Clinic Laboratories, Mayo Clinic); PubMed 38388235 (cited by Women's Health and Genetics/Laboratory Corporation of America, LabCorp); PubMed 40955454 (cited by Women's Health and Genetics/Laboratory Corporation of America, LabCorp); PubMed 31655510 (cited by Ambry Genetics); PubMed 33572515 (cited by Mayo Clinic Laboratories, Mayo Clinic); PubMed 34850610 (cited by Mayo Clinic Laboratories, Mayo Clinic); PubMed 36986509 (cited by Mayo Clinic Laboratories, Mayo Clinic).